The following is an entry in ClinVar:

NM_024675.4(PALB2):c.759dup (p.Ser254fs)

Gene: PALB2 (partner and localizer of BRCA2; minus strand). Cytogenetic location: 16p12.2.
Variant type: Duplication.
Coding change: c.759dup on transcript NM_024675.4 (MANE Select); coding-DNA position 759, one base duplicated (A; older notation c.759dupA).
Protein change: p.Ser254fs; shifts the reading frame from serine 254.
Molecular consequence: frameshift variant.
Genome position (GRCh38, 1-based): chr16:23,635,787, T duplicated on the plus strand (A on the coding strand, the reverse complement: PALB2 is on the minus strand). VCF-style (leftmost placement, unchanged base first): chr16-23635786-A-AT. GRCh37 (hg19) VCF-style: chr16-23647107-A-AT.
Other names: short protein forms S254fs.
Identifiers: ClinVar variation 830117 (VCV000830117.2), dbSNP rs1967023129, ClinGen allele CA916081821.
Genomic context (GRCh38, chr16:23,635,786, plus strand): 5'-TAAGTTCACTGCTACCTTTAGGAGGAATGTGTTCAAGGTGCTGACTACTACCGCTATCTG[A>AT]TAGAGTCTGTAAAGGAACTGTAGTCGCCCTGGTGAAATTAGGTCTTCTTAGGAATGTATC-3'

ClinVar aggregate classification (germline): Pathogenic (0 of 4 stars; one submission).

Conditions:
Familial cancer of breast. Also called: BREAST CANCER, FAMILIAL; Hereditary breast cancer; hereditary breast carcinoma. Identifiers: Orphanet 227535, MedGen C0346153, MONDO:0016419, OMIM 114480. Disease mechanism: loss of function.

Submission:

Leiden Open Variation Database
Classification: Pathogenic for Familial cancer of breast. Last evaluated: 2019-05-13. Review status: no assertion criteria provided. Collection method: curation. Allele origin: germline. Affected: yes.
Comment: Curators: Marc Tischkowitz, Arleen D. Auerbach. Submitter to LOVD: Marc Tischkowitz.

Literature cited by the submitters: PubMed 24448499.